The following is an entry in ClinVar:

NM_001136018.4(EPHX1):c.768C>A (p.Asn256Lys)

Gene: EPHX1 (epoxide hydrolase 1; plus strand). Cytogenetic location: 1q42.12.
Variant type: single nucleotide variant.
Coding change: c.768C>A on transcript NM_001136018.4 (MANE Select); coding-DNA position 768, C replaced by A.
Protein change: p.Asn256Lys; replaces asparagine 256 with lysine.
Molecular consequence: missense variant. On other transcripts: non-coding transcript variant (1), intron variant (1).
Genome position (GRCh38, 1-based): chr1:225,839,874, C>A. VCF-style: chr1-225839874-C-A. GRCh37 (hg19) VCF-style: chr1-226027575-C-A.
Other names: c.768C>A, p.Asn256Lys (NM_000120.4, NM_001291163.2, NM_001378426.1 and 3 more transcripts); c.741C>A, p.Asn247Lys (NM_001378428.1); c.540C>A, p.Asn180Lys (NM_001378431.1); c.365-2492C>A (NM_001378432.1); short protein forms N180K, N247K, N256K.
Identifiers: ClinVar variation 3046204 (VCV003046204.2), dbSNP rs56300109, ClinGen allele CA1418516.
Genomic context (GRCh38, chr1:225,839,874, plus strand): 5'-TCTCTCTGCCTTCAGCCACGTGAAAGGCCTGCACTTGAACATGGCTTTGGTTTTAAGCAA[C>A]TTCTCTACCCTGACCCTCCTCCTGGGACAGCGTTTCGGGAGGTTTCTTGGCCTCACTGAG-3'
Protein context (NP_001129490.1, residues 246-266): LHLNMALVLS[Asn256Lys]FSTLTLLLGQ

ClinVar aggregate classification (germline): Likely benign (0 of 4 stars; one submission).

Conditions:
EPHX1-related disorder. Also called: EPHX1-related condition.

Allele frequency attached by ClinVar (database versions not stated): ESP Exome Variant Server 0.00054; gnomAD 0.00059; gnomAD exomes 0.00061; TOPMed 0.00061; 1000 Genomes Project 30x 0.00078; 1000 Genomes Project 0.00080; ExAC 0.00097.
gnomAD v4.1: 989 of 1,614,194 alleles (0.061%); highest among the groups gnomAD compares: Middle Eastern, 0.25%; 4 homozygotes.

Submission:

PreventionGenetics, part of Exact Sciences
Classification: Likely benign for EPHX1-related condition. Last evaluated: 2022-06-27. Review status: no assertion criteria provided. Collection method: clinical testing. Allele origin: germline.
Comment: This variant is classified as likely benign based on ACMG/AMP sequence variant interpretation guidelines (Richards et al. 2015 PMID: 25741868, with internal and published modifications).